The following is an entry in ClinVar:

ClinVar aggregate classification (germline): Conflicting classifications of pathogenicity. Review status: criteria provided, conflicting classifications (1 of 4 stars). 7 submissions from 6 submitters: Uncertain significance (6); Likely benign (1). Last evaluated 2026-03-18.

Conditions:
WFS1-related disorder. Identifiers: MedGen CN379391, MONDO:0700293.
WFS1-Related Spectrum Disorders.
Autosomal dominant nonsyndromic hearing loss 6 (LFSNHL). Also called: DEAFNESS, AUTOSOMAL DOMINANT 6; DEAFNESS, AUTOSOMAL DOMINANT 14; DEAFNESS, AUTOSOMAL DOMINANT 38; Autosomal dominant nonsyndromic deafness 6. Identifiers: Orphanet 90635, MedGen C1833021, MONDO:0010963, OMIM 600965.
Type 2 diabetes mellitus. Also called: Type II diabetes mellitus. Identifiers: MedGen C0011860, MeSH D003924, MONDO:0005148, OMIM 125853, HP:0005978.
Wolfram-like syndrome. Also called: HEARING LOSS, PROGRESSIVE, WITH OPTIC ATROPHY AND/OR IMPAIRED GLUCOSE REGULATION. Identifiers: Orphanet 411590, MedGen C3280358, MONDO:0013673, OMIM 614296.
Wolfram syndrome 1 (WFS1). Identifiers: Orphanet 3463, MedGen C4551693, MONDO:0009101, OMIM 222300.
Cataract 41 (CTRCT41). Also called: CATARACT 41, CONGENITAL NUCLEAR TYPE. Identifiers: Orphanet 91492, Orphanet 98991, Orphanet 98992, Orphanet 98995, MedGen C3805412, MONDO:0007287, OMIM 116400.

Allele frequency attached by ClinVar (database versions not stated): gnomAD exomes 0.00001 and 0.00002; ExAC 0.00002; TOPMed 0.00006; gnomAD 0.00008 and 0.00009; 1000 Genomes Project 30x 0.00016.

Submissions (7):

PreventionGenetics, part of Exact Sciences
Classification: Uncertain significance for WFS1-related condition. Last evaluated: 2026-03-18. Review status: criteria provided, single submitter. Criteria: ACMG Guidelines, 2015. Collection method: clinical testing. Allele origin: germline.
Comment: The WFS1 c.1871T>C variant is predicted to result in the amino acid substitution p.Val624Ala. This variant was reported in an individual with sensorineural hearing loss (Fukuoka et al. 2007. PubMed ID: 17492394). This variant is reported in 0.028% of alleles in individuals of African descent in gnomAD. At this time, the clinical significance of this variant is uncertain due to the absence of conclusive functional and genetic evidence.

Labcorp Genetics (formerly Invitae), Labcorp
Classification: Uncertain significance. Last evaluated: 2025-11-28. Review status: criteria provided, single submitter. Criteria: Invitae Variant Classification Sherloc (09022015). Collection method: clinical testing. Allele origin: germline.
Comment: This sequence change replaces valine, which is neutral and non-polar, with alanine, which is neutral and non-polar, at codon 624 of the WFS1 protein (p.Val624Ala). This variant is present in population databases (rs747477628, gnomAD 0.02%). This missense change has been observed in individual(s) with non-syndromic sensorineural hearing loss (PMID: 17492394). ClinVar contains an entry for this variant (Variation ID: 289011). Invitae Evidence Modeling of protein sequence and biophysical properties (such as structural, functional, and spatial information, amino acid conservation, physicochemical variation, residue mobility, and thermodynamic stability) has been performed for this missense variant. However, the output from this modeling did not meet the statistical confidence thresholds required to predict the impact of this variant on WFS1 protein function. In summary, the available evidence is currently insufficient to determine the role of this variant in disease. Therefore, it has been classified as a Variant of Uncertain Significance.

GeneDx
Classification: Uncertain significance. Last evaluated: 2025-04-30. Review status: criteria provided, single submitter. Criteria: GeneDx Variant Classification Process June 2021. Collection method: clinical testing. Allele origin: germline. Affected: yes.
Comment: Reported in association with non-syndromic low frequency sensorineural hearing loss; detailed clinical and segregation information was not reported (Fukuoka H et al., 2007)); In silico analysis indicates that this missense variant does not alter protein structure/function; This variant is associated with the following publications: (PMID: 30019023, 29529044, 27627659, 20738327, 17492394)

Fulgent Genetics
Classification: Uncertain significance for Cataract 41; Type 2 diabetes mellitus; Wolfram syndrome 1; Autosomal dominant nonsyndromic hearing loss 6; Wolfram-like syndrome. Last evaluated: 2024-03-19. Review status: criteria provided, single submitter. Criteria: ACMG Guidelines, 2015. Collection method: clinical testing. Allele origin: germline.

Illumina Laboratory Services, Illumina
Classification: Uncertain significance for WFS1-Related Spectrum Disorders. Last evaluated: 2017-04-28. Review status: criteria provided, single submitter. Criteria: ICSL Variant Classification Criteria 13 December 2019. Collection method: clinical testing. Allele origin: germline.

Illumina Laboratory Services, Illumina
Classification: Likely benign for Autosomal dominant nonsyndromic hearing loss 6. Last evaluated: 2017-04-28. Review status: criteria provided, single submitter. Criteria: ICSL Variant Classification Criteria 13 December 2019. Collection method: clinical testing. Allele origin: germline.
Comment: This variant was observed as part of a predisposition screen in an ostensibly healthy population. A literature search was performed for the gene, cDNA change, and amino acid change (where applicable). No publications were found based on this search. Allele frequency data from public databases allowed determination this variant is unlikely to cause disease. Therefore, this variant is classified as likely benign.

Eurofins Ntd Llc (ga)
Classification: Uncertain significance. Last evaluated: 2016-07-19. Review status: criteria provided, single submitter. Criteria: EGL Classification Definitions 2015. Collection method: clinical testing. Allele origin: germline. Observed: 1 variant allele, 1 heterozygote.

Literature cited by the submitters: PubMed 17492394 (cited by Labcorp Genetics (formerly Invitae), Labcorp).

NM_006005.3(WFS1):c.1871T>C (p.Val624Ala)

Gene: WFS1 (wolframin ER transmembrane glycoprotein; plus strand). Cytogenetic location: 4p16.1.
Variant type: single nucleotide variant.
Coding change: c.1871T>C on transcript NM_006005.3 (MANE Select); coding-DNA position 1871, T replaced by C.
Protein change: p.Val624Ala; replaces valine 624 with alanine.
Molecular consequence: missense variant.
Genome position (GRCh38, 1-based): chr4:6,301,666, T>C. VCF-style: chr4-6301666-T-C. GRCh37 (hg19) VCF-style: chr4-6303393-T-C.
Other names: c.1871T>C, p.Val624Ala (NM_001145853.1); short protein forms V624A.
Identifiers: ClinVar variation 289011 (VCV000289011.19), dbSNP rs747477628, ClinGen allele CA2839529.
Genomic context (GRCh38, chr4:6,301,666, plus strand): 5'-GTAGTGTGCCCCTGCTGTTGCGCTGGTGGACCAAGGCCAGCTTCTCTGTGGTGGGGATGG[T>C]GAAGTCCCTGACGCGGAGCTCCATGGTCAAGCTCATCCTGGTGTGGCTCACGGCCATCGT-3'
Protein context (NP_005996.2, residues 614-634): TKASFSVVGM[Val624Ala]KSLTRSSMVK